The following is an entry in ClinVar:

ClinVar aggregate classification (germline): Uncertain significance (1 of 4 stars; one submission).

Allele frequency attached by ClinVar (database versions not stated): TOPMed below 0.00001; gnomAD 0.00002.
gnomAD v4.1: 3 of 1,614,078 alleles (0.00019%); highest among the groups gnomAD compares: African/African-American, 0.004%; no homozygotes.

Submission:

Labcorp Genetics (formerly Invitae), Labcorp
Classification: Uncertain significance. Last evaluated: 2025-04-14. Review status: criteria provided, single submitter. Criteria: Invitae Variant Classification Sherloc (09022015). Collection method: clinical testing. Allele origin: germline.
Comment: This sequence change replaces threonine, which is neutral and polar, with proline, which is neutral and non-polar, at codon 344 of the PPP1R15B protein (p.Thr344Pro). This variant is present in population databases (no rsID available, gnomAD 0.01%). This variant has not been reported in the literature in individuals affected with PPP1R15B-related conditions. ClinVar contains an entry for this variant (Variation ID: 2797369). Invitae Evidence Modeling of protein sequence and biophysical properties (such as structural, functional, and spatial information, amino acid conservation, physicochemical variation, residue mobility, and thermodynamic stability) indicates that this missense variant is not expected to disrupt PPP1R15B protein function with a negative predictive value of 80%. In summary, the available evidence is currently insufficient to determine the role of this variant in disease. Therefore, it has been classified as a Variant of Uncertain Significance.

NM_032833.5(PPP1R15B):c.1030A>C (p.Thr344Pro)

Gene: PPP1R15B (protein phosphatase 1 regulatory subunit 15B; minus strand). Cytogenetic location: 1q32.1.
Variant type: single nucleotide variant.
Coding change: c.1030A>C on transcript NM_032833.5 (MANE Select); coding-DNA position 1030, A replaced by C.
Protein change: p.Thr344Pro; replaces threonine 344 with proline.
Molecular consequence: missense variant.
Genome position (GRCh38, 1-based): chr1:204,410,382, T>G on the plus strand (A>C on the coding strand, the complement: PPP1R15B is on the minus strand). VCF-style: chr1-204410382-T-G. GRCh37 (hg19) VCF-style: chr1-204379510-T-G.
Other names: short protein forms T344P.
Identifiers: ClinVar variation 2797369 (VCV002797369.3), dbSNP rs760603744, ClinGen allele CA344353556.